The following is an entry in ClinVar:

NM_013382.7(POMT2):c.-56G>A

Genes: POMT2 (protein O-mannosyltransferase 2; minus strand), LOC130056177 (ATAC-STARR-seq lymphoblastoid silent region 5970; plus strand). Cytogenetic location: 14q24.3.
Variant type: single nucleotide variant.
Coding change: c.-56G>A on transcript NM_013382.7 (MANE Select); 56 bases upstream of the start codon, G replaced by A.
Molecular consequence: 5 prime UTR variant.
Genome position (GRCh38, 1-based): chr14:77,320,737, C>T on the plus strand (G>A on the coding strand, the complement: POMT2 is on the minus strand). VCF-style: chr14-77320737-C-T. GRCh37 (hg19) VCF-style: chr14-77787080-C-T.
Identifiers: ClinVar variation 314563 (VCV000314563.7), dbSNP rs567281401, ClinGen allele CA10641117.
Genomic context (GRCh38, chr14:77,320,737, plus strand): 5'-GGCATCTTCCCCCTCCTCTGGGTCGCCCTCCGGCCCGGAGGCACACTTTGTCTGACCAGC[C>T]GCCCCGCCAAGGAGTCACAAGAGGGCAGCTCGGGGTACCCCGGGAAATGCAACGCCCTTC-3'

ClinVar aggregate classification (germline): Likely benign. Review status: criteria provided, multiple submitters, no conflicts (2 of 4 stars). 3 submissions from 3 submitters: Likely benign (3). Last evaluated 2018-06-16.

Conditions:
Autosomal recessive limb-girdle muscular dystrophy type 2N. Also called: MUSCULAR DYSTROPHY-DYSTROGLYCANOPATHY, LIMB-GIRDLE, POMT2-RELATED; Muscular dystrophy-dystroglycanopathy (limb-girdle), type C, 2. Identifiers: Orphanet 206559, MedGen C3150418, MONDO:0013162, OMIM 613158.

Allele frequency attached by ClinVar (database versions not stated): gnomAD exomes 0.00273; gnomAD 0.01187 and 0.01276; 1000 Genomes Project 0.01398; TOPMed 0.01433; 1000 Genomes Project 30x 0.01468.
gnomAD v4.1: 5,830 of 1,573,688 alleles (0.37%); highest among the groups gnomAD compares: African/African-American, 3.8%; 64 homozygotes.

Submissions (3):

GeneDx
Classification: Likely benign. Last evaluated: 2018-06-16. Review status: criteria provided, single submitter. Criteria: GeneDx Variant Classification (06012015). Collection method: clinical testing. Allele origin: germline. Affected: yes.
Comment: This variant is considered likely benign or benign based on one or more of the following criteria: it is a conservative change, it occurs at a poorly conserved position in the protein, it is predicted to be benign by multiple in silico algorithms, and/or has population frequency not consistent with disease.

Illumina Laboratory Services, Illumina
Classification: Likely benign for Autosomal recessive limb-girdle muscular dystrophy type 2N. Last evaluated: 2018-01-13. Review status: criteria provided, single submitter. Criteria: ICSL Variant Classification Criteria 13 December 2019. Collection method: clinical testing. Allele origin: germline.
Comment: This variant was observed in the ICSL laboratory as part of a predisposition screen in an ostensibly healthy population. It had not been previously curated by ICSL or reported in the Human Gene Mutation Database (HGMD: prior to June 1st, 2018), and was therefore a candidate for classification through an automated scoring system. Utilizing variant allele frequency, disease prevalence and penetrance estimates, and inheritance mode, an automated score was calculated to assess if this variant is too frequent to cause the disease. Based on the score and internal cut-off values, a variant classified as likely benign is not then subjected to further curation. The score for this variant resulted in a classification of likely benign for this disease.

Breakthrough Genomics
Classification: Likely benign. Review status: criteria provided, single submitter. Criteria: ACMG Guidelines, 2015. Collection method: not provided. Allele origin: germline. Inheritance: Autosomal recessive inheritance. Affected: yes.